The following is an entry in ClinVar:

ClinVar aggregate classification (germline): Likely benign (1 of 4 stars; one submission).

Conditions:
TRPM1-related disorder. Also called: TRPM1-related condition.

Submission:

PreventionGenetics, part of Exact Sciences
Classification: Likely benign for TRPM1-related condition. Last evaluated: 2024-10-18. Review status: criteria provided, single submitter. Criteria: ACMG Guidelines, 2015. Collection method: clinical testing. Allele origin: germline.
Comment: This variant is classified as likely benign based on ACMG/AMP sequence variant interpretation guidelines (Richards et al. 2015 PMID: 25741868, with internal and published modifications).

NM_001252024.2(TRPM1):c.279+156A>C

Gene: TRPM1 (transient receptor potential cation channel subfamily M member 1; minus strand). Cytogenetic location: 15q13.3.
Variant type: single nucleotide variant.
Coding change: c.279+156A>C on transcript NM_001252024.2 (MANE Select); 156 bases into the intron after coding-DNA position 279, A replaced by C.
Molecular consequence: intron variant. On other transcripts: synonymous variant (1).
Genome position (GRCh38, 1-based): chr15:31,069,875, T>G on the plus strand (A>C on the coding strand, the complement: TRPM1 is on the minus strand). VCF-style: chr15-31069875-T-G. GRCh37 (hg19) VCF-style: chr15-31362078-T-G.
Other names: c.369A>C, p.Thr123= (NM_001252030.2); c.330+156A>C (NM_001252020.2); c.213+156A>C (NM_002420.6).
Identifiers: ClinVar variation 4979683 (VCV004979683.1).